The following is an entry in ClinVar:

ClinVar aggregate classification (germline): Uncertain significance (1 of 4 stars; one submission).

gnomAD v4.1: 1 of 1,614,096 alleles (0.000062%); highest among the groups gnomAD compares: Non-Finnish European, 0.000085%; no homozygotes.

Submission:

Ambry Genetics
Classification: Uncertain significance. Last evaluated: 2022-09-20. Review status: criteria provided, single submitter. Criteria: Ambry Variant Classification Scheme 2023. Collection method: clinical testing. Allele origin: germline.
Comment: The p.A1245S variant (also known as c.3733G>T), located in coding exon 4 of the ALPK2 gene, results from a G to T substitution at nucleotide position 3733. The alanine at codon 1245 is replaced by serine, an amino acid with similar properties. This amino acid position is conserved. In addition, this alteration is predicted to be tolerated by in silico analysis. Since supporting evidence is limited at this time, the clinical significance of this alteration remains unclear.

NM_052947.4(ALPK2):c.3733G>T (p.Ala1245Ser)

Genes: ALPK2 (alpha kinase 2; minus strand), LOC126862764 (BRD4-independent group 4 enhancer GRCh37_chr18:56202574-56203773; plus strand). Cytogenetic location: 18q21.31.
Variant type: single nucleotide variant.
Coding change: c.3733G>T on transcript NM_052947.4 (MANE Select); coding-DNA position 3733, G replaced by T.
Protein change: p.Ala1245Ser; replaces alanine 1245 with serine.
Molecular consequence: missense variant.
Genome position (GRCh38, 1-based): chr18:58,536,454, C>A on the plus strand (G>T on the coding strand, the complement: ALPK2 is on the minus strand). VCF-style: chr18-58536454-C-A. GRCh37 (hg19) VCF-style: chr18-56203686-C-A.
Other names: short protein forms A1245S.
Identifiers: ClinVar variation 1734409 (VCV001734409.2), dbSNP rs147290810, ClinGen allele CA8976843.